The following is an entry in ClinVar:

NM_152594.3(SPRED1):c.1033G>C (p.Glu345Gln)

Gene: SPRED1 (sprouty related EVH1 domain containing 1; plus strand). Cytogenetic location: 15q14.
Variant type: single nucleotide variant.
Coding change: c.1033G>C on transcript NM_152594.3 (MANE Select); coding-DNA position 1033, G replaced by C.
Protein change: p.Glu345Gln; replaces glutamic acid 345 with glutamine.
Molecular consequence: missense variant.
Genome position (GRCh38, 1-based): chr15:38,351,362, G>C. VCF-style: chr15-38351362-G-C. GRCh37 (hg19) VCF-style: chr15-38643563-G-C.
Other names: c.1033G>C (NM_152594.2); short protein forms E345Q.
Identifiers: ClinVar variation 1397060 (VCV001397060.8), dbSNP rs1306435872, ClinGen allele CA391933856.

ClinVar aggregate classification (germline): Uncertain significance. Review status: criteria provided, multiple submitters, no conflicts (2 of 4 stars). 2 submissions from 2 submitters: Uncertain significance (2). Last evaluated 2026-08-27.

Conditions:
Cardiovascular phenotype. Identifiers: MedGen CN230736.
Legius syndrome. Identifiers: Orphanet 137605, MedGen C1969623, MONDO:0012669, OMIM 611431. Disease mechanism: loss of function.

Allele frequency attached by ClinVar (database versions not stated): gnomAD 0.00001; TOPMed 0.00001.
gnomAD v4.1: 2 of 1,613,996 alleles (0.00012%); highest among the groups gnomAD compares: African/African-American, 0.0027%; no homozygotes.

Submissions (2):

Ambry Genetics
Classification: Uncertain significance for Cardiovascular phenotype. Last evaluated: 2026-08-27. Review status: criteria provided, single submitter. Criteria: Ambry Variant Classification Scheme 2023. Collection method: clinical testing. Allele origin: germline.

Labcorp Genetics (formerly Invitae), Labcorp
Classification: Uncertain significance for Legius syndrome. Last evaluated: 2024-06-24. Review status: criteria provided, single submitter. Criteria: Invitae Variant Classification Sherloc (09022015). Collection method: clinical testing. Allele origin: germline.
Comment: This sequence change replaces glutamic acid, which is acidic and polar, with glutamine, which is neutral and polar, at codon 345 of the SPRED1 protein (p.Glu345Gln). This variant is not present in population databases (gnomAD no frequency). This variant has not been reported in the literature in individuals affected with SPRED1-related conditions. ClinVar contains an entry for this variant (Variation ID: 1397060). Advanced modeling of protein sequence and biophysical properties (such as structural, functional, and spatial information, amino acid conservation, physicochemical variation, residue mobility, and thermodynamic stability) performed at Invitae indicates that this missense variant is not expected to disrupt SPRED1 protein function with a negative predictive value of 80%. In summary, the available evidence is currently insufficient to determine the role of this variant in disease. Therefore, it has been classified as a Variant of Uncertain Significance.